The following is an entry in ClinVar:

ClinVar aggregate classification (germline): Pathogenic. Review status: criteria provided, multiple submitters, no conflicts (2 of 4 stars). 2 submissions from 2 submitters: Pathogenic (2). Last evaluated 2024-06-14.

Conditions:
Hereditary cancer-predisposing syndrome. Also called: Hereditary neoplastic syndrome; Tumor predisposition; Neoplastic Syndromes, Hereditary; Hereditary Cancer Syndrome. Identifiers: Orphanet 140162, MedGen C0027672, MeSH D009386, MONDO:0015356.
Hereditary nonpolyposis colorectal neoplasms. Identifiers: MedGen C0009405, MeSH D003123.

Submissions (2):

Ambry Genetics
Classification: Pathogenic for Hereditary cancer-predisposing syndrome. Last evaluated: 2024-06-14. Review status: criteria provided, single submitter. Criteria: Ambry Variant Classification Scheme 2023. Collection method: clinical testing. Allele origin: germline.
Comment: The p.S1246* pathogenic mutation (also known as c.3737C>G), located in coding exon 8 of the MSH6 gene, results from a C to G substitution at nucleotide position 3737. This changes the amino acid from a serine to a stop codon within coding exon 8. This variant is considered to be rare based on population cohorts in the Genome Aggregation Database (gnomAD). This alteration is expected to result in loss of function by premature protein truncation or nonsense-mediated mRNA decay. As such, this alteration is interpreted as a disease-causing mutation.

Labcorp Genetics (formerly Invitae), Labcorp
Classification: Pathogenic for Hereditary nonpolyposis colorectal neoplasms. Last evaluated: 2023-05-14. Review status: criteria provided, single submitter. Criteria: Invitae Variant Classification Sherloc (09022015). Collection method: clinical testing. Allele origin: germline.
Comment: For these reasons, this variant has been classified as Pathogenic. This variant has not been reported in the literature in individuals affected with MSH6-related conditions. This variant is not present in population databases (gnomAD no frequency). This sequence change creates a premature translational stop signal (p.Ser1246*) in the MSH6 gene. It is expected to result in an absent or disrupted protein product. Loss-of-function variants in MSH6 are known to be pathogenic (PMID: 18269114, 24362816).

Literature cited by the submitters: PubMed 18269114 (cited by Labcorp Genetics (formerly Invitae), Labcorp); PubMed 24362816 (cited by Labcorp Genetics (formerly Invitae), Labcorp).

NM_000179.3(MSH6):c.3737C>G (p.Ser1246Ter)

Gene: MSH6 (mutS homolog 6; plus strand). Cytogenetic location: 2p16.3.
Variant type: single nucleotide variant.
Coding change: c.3737C>G on transcript NM_000179.3 (MANE Select); coding-DNA position 3737, C replaced by G.
Protein change: p.Ser1246Ter; replaces serine 1246 with a stop codon.
Molecular consequence: nonsense. On other transcripts: non-coding transcript variant (5).
Genome position (GRCh38, 1-based): chr2:47,806,294, C>G. VCF-style: chr2-47806294-C-G. GRCh37 (hg19) VCF-style: chr2-48033433-C-G.
Other names: c.3347C>G, p.Ser1116Ter (NM_001281492.2); c.2831C>G, p.Ser944Ter (NM_001281493.2, NM_001281494.2, NM_001406811.1 and 6 more transcripts); c.3833C>G, p.Ser1278Ter (NM_001406795.1, NM_001406802.1); c.3737C>G, p.Ser1246Ter (NM_001406796.1, NM_001406800.1, NM_001406808.1 and 1 more transcripts); c.3440C>G, p.Ser1147Ter (NM_001406797.1, NM_001406801.1, NM_001406805.1 and 10 more transcripts); c.3563C>G, p.Ser1188Ter (NM_001406798.1); c.3212C>G, p.Ser1071Ter (NM_001406799.1, NM_001406806.1, NM_001406807.1); c.2873C>G, p.Ser958Ter (NM_001406803.1); and 7 more; short protein forms S1116*, S1188*, S1190*, S1278*, S173*, S195*, S958*, S1071*.
Identifiers: ClinVar variation 2864171 (VCV002864171.4), dbSNP rs2104542818, ClinGen allele CA346761051.